The following is an entry in ClinVar:

ClinVar aggregate classification (germline): Uncertain significance (1 of 4 stars; one submission).

Conditions:
Neuropathy, hereditary sensory and autonomic, type 2A (HSAN2A). Also called: WNK1-Related HSAN2 (HSAN2A); NEUROPATHY, CONGENITAL SENSORY; NEUROPATHY, HEREDITARY SENSORY RADICULAR, AUTOSOMAL RECESSIVE; NEUROPATHY, HEREDITARY SENSORY, TYPE IIA; NEUROPATHY, PROGRESSIVE SENSORY, OF CHILDREN; HSAN IIA. Identifiers: Orphanet 970, MedGen C2752089, MONDO:0024309, OMIM 201300.
Generalized epilepsy with febrile seizures plus, type 7 (GEFSP7). Also called: GEFS+, TYPE 7. Identifiers: Orphanet 36387, MedGen C2751778, MONDO:0013470, OMIM 613863.

Submission:

Labcorp Genetics (formerly Invitae), Labcorp
Classification: Uncertain significance for Neuropathy, hereditary sensory and autonomic, type 2A; Generalized epilepsy with febrile seizures plus, type 7. Last evaluated: 2021-02-11. Review status: criteria provided, single submitter. Criteria: Invitae Variant Classification Sherloc (09022015). Collection method: clinical testing. Allele origin: germline.
Comment: This variant has not been reported in the literature in individuals with SCN9A-related conditions. In summary, the available evidence is currently insufficient to determine the role of this variant in disease. Therefore, it has been classified as a Variant of Uncertain Significance. Algorithms developed to predict the effect of missense changes on protein structure and function (SIFT, PolyPhen-2, Align-GVGD) all suggest that this variant is likely to be disruptive, but these predictions have not been confirmed by published functional studies and their clinical significance is uncertain. This variant is not present in population databases (ExAC no frequency). This sequence change replaces arginine with methionine at codon 547 of the SCN9A protein (p.Arg547Met). The arginine residue is highly conserved and there is a moderate physicochemical difference between arginine and methionine.

NM_001365536.1(SCN9A):c.1640G>T (p.Arg547Met)

Genes: SCN1A-AS1 (SCN1A and SCN9A antisense RNA 1; plus strand), SCN9A (sodium voltage-gated channel alpha subunit 9; minus strand). Cytogenetic location: 2q24.3.
Variant type: single nucleotide variant.
Coding change: c.1640G>T on transcript NM_001365536.1 (MANE Select); coding-DNA position 1640, G replaced by T.
Protein change: p.Arg547Met; replaces arginine 547 with methionine.
Molecular consequence: missense variant.
Genome position (GRCh38, 1-based): chr2:166,284,787, C>A on the plus strand (G>T on the coding strand, the complement: SCN9A is on the minus strand). VCF-style: chr2-166284787-C-A. GRCh37 (hg19) VCF-style: chr2-167141297-C-A.
Other names: c.1640G>T, p.Arg547Met (NM_002977.4); short protein forms R547M.
Identifiers: ClinVar variation 1508917 (VCV001508917.8), dbSNP rs2106483788, ClinGen allele CA349083873.